The following is an entry in ClinVar:

NM_001852.4(COL9A2):c.186+2T>A

Gene: COL9A2 (collagen type IX alpha 2 chain; minus strand). Cytogenetic location: 1p34.2.
Variant type: single nucleotide variant.
Coding change: c.186+2T>A on transcript NM_001852.4 (MANE Select); the canonical splice donor site of the intron after coding-DNA position 186, T replaced by A.
Molecular consequence: splice donor variant.
Genome position (GRCh38, 1-based): chr1:40,314,350, A>T on the plus strand (T>A on the coding strand, the complement: COL9A2 is on the minus strand). VCF-style: chr1-40314350-A-T. GRCh37 (hg19) VCF-style: chr1-40780022-A-T.
Identifiers: ClinVar variation 2703374 (VCV002703374.3), dbSNP rs1569763139, ClinGen allele CA339858629.

ClinVar aggregate classification (germline): Pathogenic (1 of 4 stars; one submission).

Allele frequency attached by ClinVar (database versions not stated): gnomAD exomes below 0.00001.

Submission:

Labcorp Genetics (formerly Invitae), Labcorp
Classification: Pathogenic. Last evaluated: 2023-12-15. Review status: criteria provided, single submitter. Criteria: Invitae Variant Classification Sherloc (09022015). Collection method: clinical testing. Allele origin: germline.
Comment: This sequence change affects a donor splice site in intron 3 of the COL9A2 gene. RNA analysis indicates that disruption of this splice site induces altered splicing and likely results in a shortened protein product. This variant is not present in population databases (gnomAD no frequency). Disruption of this splice site has been observed in individual(s) with multiple epiphyseal dysplasia (PMID: 8528240). It has also been observed to segregate with disease in related individuals. Studies have shown that disruption of this splice site results in skipping of exon 3, but is expected to preserve the integrity of the reading-frame (PMID: 8528240). For these reasons, this variant has been classified as Pathogenic.

Literature cited by the submitters: PubMed 8528240.